The following is an entry in ClinVar:

ClinVar aggregate classification (germline): Uncertain significance (1 of 4 stars; one submission).

gnomAD v4.1: 15 of 1,614,086 alleles (0.00093%); highest among the groups gnomAD compares: Non-Finnish European, 0.0013%; no homozygotes.

Submission:

Labcorp Genetics (formerly Invitae), Labcorp
Classification: Uncertain significance. Last evaluated: 2025-03-26. Review status: criteria provided, single submitter. Criteria: Invitae Variant Classification Sherloc (09022015). Collection method: clinical testing. Allele origin: germline.
Comment: This sequence change replaces alanine, which is neutral and non-polar, with valine, which is neutral and non-polar, at codon 750 of the TEK protein (p.Ala750Val). This variant is not present in population databases (gnomAD no frequency). This variant has not been reported in the literature in individuals affected with TEK-related conditions. Invitae Evidence Modeling of protein sequence and biophysical properties (such as structural, functional, and spatial information, amino acid conservation, physicochemical variation, residue mobility, and thermodynamic stability) indicates that this missense variant is not expected to disrupt TEK protein function with a negative predictive value of 80%. In summary, the available evidence is currently insufficient to determine the role of this variant in disease. Therefore, it has been classified as a Variant of Uncertain Significance.

NM_000459.5(TEK):c.2249C>T (p.Ala750Val)

Gene: TEK (TEK receptor tyrosine kinase; plus strand). Cytogenetic location: 9p21.2.
Variant type: single nucleotide variant.
Coding change: c.2249C>T on transcript NM_000459.5 (MANE Select); coding-DNA position 2249, C replaced by T.
Protein change: p.Ala750Val; replaces alanine 750 with valine.
Molecular consequence: missense variant.
Genome position (GRCh38, 1-based): chr9:27,204,950, C>T. VCF-style: chr9-27204950-C-T. GRCh37 (hg19) VCF-style: chr9-27204948-C-T.
Other names: c.2120C>T, p.Ala707Val (NM_001290077.2, NM_001375476.1); c.1808C>T, p.Ala603Val (NM_001290078.2); c.2249C>T, p.Ala750Val (NM_001375475.1); short protein forms A707V, A603V, A750V.
Identifiers: ClinVar variation 4706431 (VCV004706431.1).